The following is an entry in ClinVar:

NM_000038.6(APC):c.5220T>A (p.Pro1740=)

Gene: APC (APC regulator of Wnt signaling pathway; plus strand). Cytogenetic location: 5q22.2.
Variant type: single nucleotide variant.
Coding change: c.5220T>A on transcript NM_000038.6 (MANE Select); coding-DNA position 5220, T replaced by A.
Protein change: p.Pro1740=; no amino-acid change (proline 1740 retained).
Molecular consequence: synonymous variant. On other transcripts: non-coding transcript variant (2).
Genome position (GRCh38, 1-based): chr5:112,840,814, T>A. VCF-style: chr5-112840814-T-A. GRCh37 (hg19) VCF-style: chr5-112176511-T-A.
Other names: c.5220T>A, p.Pro1740= (NM_001127510.3, NM_001354895.2, NM_001407450.1); c.5166T>A, p.Pro1722= (NM_001127511.3); c.5274T>A, p.Pro1758= (NM_001354896.2, NM_001407447.1, NM_001407448.1 and 1 more transcripts); c.5250T>A, p.Pro1750= (NM_001354897.2); c.5145T>A, p.Pro1715= (NM_001354898.2); c.5136T>A, p.Pro1712= (NM_001354899.2); c.5097T>A, p.Pro1699= (NM_001354900.2); c.5043T>A, p.Pro1681= (NM_001354901.2, NM_001407453.1); and 11 more.
Identifiers: ClinVar variation 3253843 (VCV003253843.1), dbSNP rs2149935019.
Genomic context (GRCh38, chr5:112,840,814, plus strand): 5'-AGGTGATATTCTTGCAGAATGCATTAATTCTGCTATGCCCAAAGGGAAAAGTCACAAGCC[T>A]TTCCGTGTGAAAAAGATAATGGACCAGGTCCAGCAAGCATCTGCGTCTTCTTCTGCACCC-3'
Protein context (NP_000029.2, residues 1730-1750): SAMPKGKSHK[Pro1740=]FRVKKIMDQV

ClinVar aggregate classification (germline): Benign (1 of 4 stars; one submission).

Conditions:
Familial adenomatous polyposis 1 (FAP1). Also called: POLYPOSIS, ADENOMATOUS INTESTINAL; FAMILIAL ADENOMATOUS POLYPOSIS 1, ATTENUATED. Identifiers: MedGen C2713442, MONDO:0021056, OMIM 175100. Disease mechanism: loss of function.

Allele frequency attached by ClinVar (database versions not stated): gnomAD exomes below 0.00001.
gnomAD v4.1: 1 of 1,614,138 alleles (0.000062%); highest among the groups gnomAD compares: Non-Finnish European, 0.000085%; no homozygotes.

Submission:

Myriad Genetics, Inc.
Classification: Benign for Familial adenomatous polyposis 1. Last evaluated: 2024-04-01. Review status: criteria provided, single submitter. Criteria: Myriad Autosomal Dominant, Autosomal Recessive and X-Linked Classification Criteria (2023). Collection method: clinical testing. Allele origin: unknown.
Comment: This variant is considered benign. This variant is a silent/synonymous amino acid change and it is not expected to impact splicing.